The following is an entry in ClinVar:

ClinVar aggregate classification (germline): Uncertain significance (1 of 4 stars; one submission).

Conditions:
Gastrointestinal stromal tumor. Also called: Gastrointestinal stromal tumor, somatic; Gastrointestinal stroma tumor. Identifiers: Orphanet 44890, MedGen C0238198, MeSH D046152, MONDO:0011719, OMIM 606764, HP:0100723.

Allele frequency attached by ClinVar (database versions not stated): gnomAD exomes below 0.00001.
gnomAD v4.1: 1 of 1,613,750 alleles (0.000062%); highest among the groups gnomAD compares: Non-Finnish European, 0.000085%; no homozygotes.

Submission:

Labcorp Genetics (formerly Invitae), Labcorp
Classification: Uncertain significance for Gastrointestinal stromal tumor. Last evaluated: 2023-12-28. Review status: criteria provided, single submitter. Criteria: Invitae Variant Classification Sherloc (09022015). Collection method: clinical testing. Allele origin: germline.
Comment: This sequence change replaces threonine, which is neutral and polar, with lysine, which is basic and polar, at codon 437 of the KIT protein (p.Thr437Lys). This variant is not present in population databases (gnomAD no frequency). This variant has not been reported in the literature in individuals affected with KIT-related conditions. An algorithm developed to predict the effect of missense changes on protein structure and function (PolyPhen-2) suggests that this variant is likely to be disruptive. In summary, the available evidence is currently insufficient to determine the role of this variant in disease. Therefore, it has been classified as a Variant of Uncertain Significance.

NM_000222.3(KIT):c.1310C>A (p.Thr437Lys)

Gene: KIT (KIT proto-oncogene, receptor tyrosine kinase; plus strand). Cytogenetic location: 4q12.
Variant type: single nucleotide variant.
Coding change: c.1310C>A on transcript NM_000222.3 (MANE Select); coding-DNA position 1310, C replaced by A.
Protein change: p.Thr437Lys; replaces threonine 437 with lysine.
Molecular consequence: missense variant.
Genome position (GRCh38, 1-based): chr4:54,723,662, C>A. VCF-style: chr4-54723662-C-A. GRCh37 (hg19) VCF-style: chr4-55589828-C-A.
Other names: c.1310C>A, p.Thr437Lys (NM_001093772.2, NM_001385285.1, NM_001385286.1); c.1313C>A, p.Thr438Lys (NM_001385284.1, NM_001385288.1, NM_001385290.1 and 1 more transcripts); short protein forms T438K, T437K.
Identifiers: ClinVar variation 2706123 (VCV002706123.3), dbSNP rs1028162238, ClinGen allele CA356905703.